The following is an entry in ClinVar:

NM_001349253.2(SCN11A):c.3897del (p.Thr1299_Leu1300insTer)

Gene: SCN11A (sodium voltage-gated channel alpha subunit 11; minus strand). Cytogenetic location: 3p22.2.
Variant type: Deletion.
Coding change: c.3897del on transcript NM_001349253.2 (MANE Select); coding-DNA position 3897, one base deleted (T; older notation c.3897delT).
Protein change: p.Thr1299_Leu1300insTer.
Molecular consequence: frameshift variant.
Genome position (GRCh38, 1-based): chr3:38,867,375, A deleted on the plus strand (T on the coding strand, the reverse complement: SCN11A is on the minus strand). VCF-style (leftmost placement, unchanged base first): chr3-38867374-GA-G. GRCh37 (hg19) VCF-style: chr3-38908865-GA-G.
Other names: c.3897del, p.Thr1299_Leu1300insTer (NM_014139.3).
Identifiers: ClinVar variation 1712016 (VCV001712016.2), dbSNP rs2471018717, ClinGen allele CA2580069782.

ClinVar aggregate classification (germline): Uncertain significance (1 of 4 stars; one submission).

Submission:

GeneDx
Classification: Uncertain significance. Last evaluated: 2022-04-21. Review status: criteria provided, single submitter. Criteria: GeneDx Variant Classification Process June 2021. Collection method: clinical testing. Allele origin: germline. Affected: yes.
Comment: Not observed at significant frequency in large population cohorts (gnomAD); Nonsense variant predicted to result in protein truncation or nonsense mediated decay in a gene or region of a gene for which loss of function is not a well-established mechanism of disease; Has not been previously published as pathogenic or benign to our knowledge